The following is an entry in ClinVar:

ClinVar aggregate classification (germline): Uncertain significance (1 of 4 stars; one submission).

Submission:

Labcorp Genetics (formerly Invitae), Labcorp
Classification: Uncertain significance. Last evaluated: 2023-07-17. Review status: criteria provided, single submitter. Criteria: Invitae Variant Classification Sherloc (09022015). Collection method: clinical testing. Allele origin: germline.
Comment: This variant has not been reported in the literature in individuals affected with RPL15-related conditions. This variant is present in population databases (no rsID available, gnomAD 0.003%). An algorithm developed to predict the effect of missense changes on protein structure and function (PolyPhen-2) suggests that this variant is likely to be disruptive. ClinVar contains an entry for this variant (Variation ID: 2185933). In summary, the available evidence is currently insufficient to determine the role of this variant in disease. Therefore, it has been classified as a Variant of Uncertain Significance. This sequence change replaces isoleucine, which is neutral and non-polar, with methionine, which is neutral and non-polar, at codon 135 of the RPL15 protein (p.Ile135Met).

NM_002948.5(RPL15):c.405T>G (p.Ile135Met)

Genes: NKIRAS1 (NFKB inhibitor interacting Ras like 1; minus strand), RPL15 (ribosomal protein L15; plus strand). Cytogenetic location: 3p24.2.
Variant type: single nucleotide variant.
Coding change: c.405T>G on transcript NM_002948.5 (MANE Select); coding-DNA position 405, T replaced by G.
Protein change: p.Ile135Met; replaces isoleucine 135 with methionine.
Molecular consequence: missense variant. On other transcripts: intron variant (2).
Genome position (GRCh38, 1-based): chr3:23,919,291, T>G. VCF-style: chr3-23919291-T-G. GRCh37 (hg19) VCF-style: chr3-23960782-T-G.
Other names: c.405T>G, p.Ile135Met (NM_001253379.2, NM_001253380.2, NM_001253382.2 and 1 more transcripts); c.-139-7841A>C (NM_001377380.1); c.360+45T>G (NM_001253384.2); short protein forms I135M.
Identifiers: ClinVar variation 2185933 (VCV002185933.3), dbSNP rs1158480748, ClinGen allele CA351882202.